The following is an entry in ClinVar:

NM_007327.4(GRIN1):c.789A>G (p.Pro263=)

Gene: GRIN1 (glutamate ionotropic receptor NMDA type subunit 1; plus strand). Cytogenetic location: 9q34.3.
Variant type: single nucleotide variant.
Coding change: c.789A>G on transcript NM_007327.4 (MANE Select); coding-DNA position 789, A replaced by G.
Protein change: p.Pro263=; no amino-acid change (proline 263 retained).
Molecular consequence: synonymous variant.
Genome position (GRCh38, 1-based): chr9:137,156,786, A>G. VCF-style: chr9-137156786-A-G. GRCh37 (hg19) VCF-style: chr9-140051238-A-G.
Other names: p.Pro263=; c.789A>G, p.Pro263= (NM_000832.7, NM_021569.4); c.852A>G, p.Pro284= (NM_001185090.2, NM_001185091.2).
Identifiers: ClinVar variation 129182 (VCV000129182.27), dbSNP rs6293, ClinGen allele CA153025.

ClinVar aggregate classification (germline): Benign. Review status: criteria provided, multiple submitters, no conflicts (2 of 4 stars). 11 submissions from 10 submitters: Benign (10). 1 of the submissions does not count toward it. Last evaluated 2026-02-03.

Conditions:
Inborn genetic diseases. Identifiers: MedGen C0950123, MeSH D030342.
Neurodevelopmental disorder with or without hyperkinetic movements and seizures, autosomal dominant. Also called: Intellectual disability, autosomal dominant 8. Identifiers: MedGen C3280282, MONDO:0013655, OMIM 614254.
Neurodevelopmental disorder with or without hyperkinetic movements and seizures, autosomal recessive. Identifiers: MedGen C4693325, MONDO:0060629, OMIM 617820.

Allele frequency attached by ClinVar (database versions not stated): 1000 Genomes Project 0.14077; 1000 Genomes Project 30x 0.14085; TOPMed 0.21297; ESP Exome Variant Server 0.23086; gnomAD 0.23384 and 0.23665; gnomAD exomes 0.26096 and 0.30370; ExAC 0.33070.
gnomAD v4.1: 470,913 of 1,592,168 alleles (30%); highest among the groups gnomAD compares: Non-Finnish European, 33%; 75,576 homozygotes.

Submissions (11):

Labcorp Genetics (formerly Invitae), Labcorp
Classification: Benign for Neurodevelopmental disorder with or without hyperkinetic movements and seizures, autosomal dominant. Last evaluated: 2026-02-03. Review status: criteria provided, single submitter. Criteria: Invitae Variant Classification Sherloc (09022015). Collection method: clinical testing. Allele origin: germline.

Blueprint Genetics
Classification: Benign. Last evaluated: 2024-11-27. Review status: criteria provided, single submitter. Criteria: ACMG Guidelines, 2015. Collection method: clinical testing. Allele origin: germline.

Unidad de Genómica Garrahan, Hospital de Pediatría Garrahan
Classification: Benign. Last evaluated: 2024-07-15. Review status: criteria provided, single submitter. Criteria: ACMG Guidelines, 2015. Collection method: clinical testing. Allele origin: germline. Affected: no. Observed: 45 variant alleles.
Comment: This variant is classified as Benign based on local population frequency. This variant was detected in 48% of patients studied in a panel designed for Epileptic and Developmental Encephalopathy and Progressive Myoclonus Epilepsy. Number of patients: 45. Only high quality variants are reported.

Genome-Nilou Lab
Classification: Benign for Neurodevelopmental disorder with or without hyperkinetic movements and seizures, autosomal dominant. Last evaluated: 2021-08-10. Review status: criteria provided, single submitter. Criteria: ACMG Guidelines, 2015. Collection method: clinical testing. Allele origin: germline. Affected: no.

Genome-Nilou Lab
Classification: Benign for Neurodevelopmental disorder with or without hyperkinetic movements and seizures, autosomal recessive. Last evaluated: 2021-08-10. Review status: criteria provided, single submitter. Criteria: ACMG Guidelines, 2015. Collection method: clinical testing. Allele origin: germline. Affected: no.

Mayo Clinic Laboratories, Mayo Clinic
Classification: Benign. Last evaluated: 2018-04-02. Review status: criteria provided, single submitter. Criteria: ACMG Guidelines, 2015. Collection method: clinical testing. Allele origin: germline. Observed: 240 variant alleles.

Athena Diagnostics
Classification: Benign. Last evaluated: 2017-04-20. Review status: criteria provided, single submitter. Criteria: Athena Diagnostics Criteria. Collection method: clinical testing. Allele origin: germline.

GeneDx
Classification: Benign. Last evaluated: 2016-01-07. Review status: criteria provided, single submitter. Criteria: GeneDx Variant Classification (06012015). Collection method: clinical testing. Allele origin: germline. Affected: yes.
Comment: This variant is considered likely benign or benign based on one or more of the following criteria: it is a conservative change, it occurs at a poorly conserved position in the protein, it is predicted to be benign by multiple in silico algorithms, and/or has population frequency not consistent with disease.

Ambry Genetics
Classification: Benign for Inborn genetic diseases. Last evaluated: 2015-12-31. Review status: criteria provided, single submitter. Criteria: Ambry Variant Classification Scheme 2023. Collection method: clinical testing. Allele origin: germline.

Breakthrough Genomics
Classification: Benign. Review status: criteria provided, single submitter. Criteria: ACMG Guidelines, 2015. Collection method: not provided. Allele origin: germline. Inheritance: Autosomal recessive inheritance. Affected: yes.

Genetic Services Laboratory, University of Chicago
Classification: Likely benign for AllHighlyPenetrant. Review status: no assertion criteria provided. Collection method: clinical testing. Allele origin: germline. Inheritance: Autosomal dominant inheritance. Not counted in ClinVar's aggregate classification.
Comment: Likely benign based on allele frequency in 1000 Genomes Project or ESP global frequency and its presence in a patient with a rare or unrelated disease phenotype. NOT Sanger confirmed.